The following is an entry in ClinVar:

NM_001079668.3(NKX2-1):c.953A>C (p.Gln318Pro)

Genes: NKX2-1 (NK2 homeobox 1; minus strand), SFTA3 (surfactant associated 3; minus strand). Cytogenetic location: 14q13.3.
Variant type: single nucleotide variant.
Coding change: c.953A>C on transcript NM_001079668.3 (MANE Select); coding-DNA position 953, A replaced by C.
Protein change: p.Gln318Pro; replaces glutamine 318 with proline.
Molecular consequence: missense variant.
Genome position (GRCh38, 1-based): chr14:36,517,531, T>G on the plus strand (A>C on the coding strand, the complement: NKX2-1 is on the minus strand). VCF-style: chr14-36517531-T-G. GRCh37 (hg19) VCF-style: chr14-36986736-T-G.
Other names: c.863A>C, p.Gln288Pro (NM_003317.4); short protein forms Q318P, Q288P.
Identifiers: ClinVar variation 1942202 (VCV001942202.5), dbSNP rs2502626858, ClinGen allele CA389458664.

ClinVar aggregate classification (germline): Uncertain significance (1 of 4 stars; one submission).

Submission:

Labcorp Genetics (formerly Invitae), Labcorp
Classification: Uncertain significance. Last evaluated: 2022-01-18. Review status: criteria provided, single submitter. Criteria: Invitae Variant Classification Sherloc (09022015). Collection method: clinical testing. Allele origin: germline.
Comment: In summary, the available evidence is currently insufficient to determine the role of this variant in disease. Therefore, it has been classified as a Variant of Uncertain Significance. Algorithms developed to predict the effect of missense changes on protein structure and function are either unavailable or do not agree on the potential impact of this missense change (SIFT: "Deleterious"; PolyPhen-2: "Possibly Damaging"; Align-GVGD: "Class C0"). This variant has not been reported in the literature in individuals affected with NKX2-1-related conditions. This variant is not present in population databases (gnomAD no frequency). This sequence change replaces glutamine, which is neutral and polar, with proline, which is neutral and non-polar, at codon 318 of the NKX2-1 protein (p.Gln318Pro).